The following is an entry in ClinVar:

NM_000520.6(HEXA):c.1019G>A (p.Arg340Lys)

Gene: HEXA (hexosaminidase subunit alpha; minus strand). Cytogenetic location: 15q23.
Variant type: single nucleotide variant.
Coding change: c.1019G>A on transcript NM_000520.6 (MANE Select); coding-DNA position 1019, G replaced by A.
Protein change: p.Arg340Lys; replaces arginine 340 with lysine.
Molecular consequence: missense variant. On other transcripts: non-coding transcript variant (1).
Genome position (GRCh38, 1-based): chr15:72,348,102, C>T on the plus strand (G>A on the coding strand, the complement: HEXA is on the minus strand). VCF-style: chr15-72348102-C-T. GRCh37 (hg19) VCF-style: chr15-72640443-C-T.
Other names: c.1052G>A, p.Arg351Lys (NM_001318825.2); short protein forms R340K, R351K.
Identifiers: ClinVar variation 2134478 (VCV002134478.1), dbSNP rs1297553035, ClinGen allele CA393061944.

ClinVar aggregate classification (germline): Uncertain significance (1 of 4 stars; one submission).

Conditions:
Tay-Sachs disease (TSD). Also called: GM2 gangliosidosis, type 1; Hexosaminidase alpha-subunit deficiency (variant B); Sphingolipidosis, Tay-Sachs; Hexosaminidase A Deficiency; HEXA DEFICIENCY; HEXA Disorders. Identifiers: Orphanet 845, MedGen C0039373, MONDO:0010100, OMIM 272800.

Allele frequency attached by ClinVar (database versions not stated): gnomAD exomes below 0.00001; gnomAD 0.00001; TOPMed 0.00002.
gnomAD v4.1: 3 of 1,613,372 alleles (0.00019%); highest among the groups gnomAD compares: African/African-American, 0.004%; no homozygotes.

Submission:

Labcorp Genetics (formerly Invitae), Labcorp
Classification: Uncertain significance for Tay-Sachs disease. Last evaluated: 2022-07-13. Review status: criteria provided, single submitter. Criteria: Invitae Variant Classification Sherloc (09022015). Collection method: clinical testing. Allele origin: germline.
Comment: This sequence change replaces arginine, which is basic and polar, with lysine, which is basic and polar, at codon 340 of the HEXA protein (p.Arg340Lys). This variant is present in population databases (no rsID available, gnomAD 0.007%). This variant has not been reported in the literature in individuals affected with HEXA-related conditions. Algorithms developed to predict the effect of missense changes on protein structure and function output the following: SIFT: "Tolerated"; PolyPhen-2: "Benign"; Align-GVGD: "Class C0". The lysine amino acid residue is found in multiple mammalian species, which suggests that this missense change does not adversely affect protein function. In summary, the available evidence is currently insufficient to determine the role of this variant in disease. Therefore, it has been classified as a Variant of Uncertain Significance.